The following is an entry in ClinVar:

NM_198253.3(TERT):c.56G>T (p.Arg19Leu)

Genes: TERT (telomerase reverse transcriptase; minus strand), LOC110806263 (TERT 5' regulatory region; plus strand). Cytogenetic location: 5p15.33.
Variant type: single nucleotide variant.
Coding change: c.56G>T on transcript NM_198253.3 (MANE Select); coding-DNA position 56, G replaced by T.
Protein change: p.Arg19Leu; replaces arginine 19 with leucine.
Molecular consequence: missense variant. On other transcripts: non-coding transcript variant (2).
Genome position (GRCh38, 1-based): chr5:1,294,934, C>A on the plus strand (G>T on the coding strand, the complement: TERT is on the minus strand). VCF-style: chr5-1294934-C-A. GRCh37 (hg19) VCF-style: chr5-1295049-C-A.
Other names: c.56G>T, p.Arg19Leu (NM_001193376.3); short protein forms R19L.
Identifiers: ClinVar variation 3455184 (VCV003455184.1).

ClinVar aggregate classification (germline): Uncertain significance (1 of 4 stars; one submission).

Conditions:
Dyskeratosis congenita. Identifiers: Orphanet 1775, MedGen C0265965, MONDO:0015780.

gnomAD v4.1: 1 of 1,418,224 alleles (0.000071%); highest among the groups gnomAD compares: Non-Finnish European, 0.000092%; no homozygotes.

Submission:

Ambry Genetics
Classification: Uncertain significance for Dyskeratosis congenita. Last evaluated: 2024-08-31. Review status: criteria provided, single submitter. Criteria: Ambry Variant Classification Scheme 2023. Collection method: clinical testing. Allele origin: germline.
Comment: The p.R19L variant (also known as c.56G>T), located in coding exon 1 of the TERT gene, results from a G to T substitution at nucleotide position 56. The arginine at codon 19 is replaced by leucine, an amino acid with dissimilar properties. This amino acid position is conserved. In addition, the in silico prediction for this alteration is inconclusive. Based on the available evidence, the clinical significance of this variant remains unclear.